The following is an entry in ClinVar:

ClinVar aggregate classification (germline): Pathogenic (1 of 4 stars; one submission).

Conditions:
Nephronophthisis 15 (NPHP15). Identifiers: Orphanet 3156, MedGen C3541853, MONDO:0013917, OMIM 614845.

Submission:

Labcorp Genetics (formerly Invitae), Labcorp
Classification: Pathogenic for Nephronophthisis 15. Last evaluated: 2024-04-25. Review status: criteria provided, single submitter. Criteria: Invitae Variant Classification Sherloc (09022015). Collection method: clinical testing. Allele origin: germline.
Comment: This sequence change creates a premature translational stop signal (p.Glu117Argfs*20) in the CEP164 gene. It is expected to result in an absent or disrupted protein product. Loss-of-function variants in CEP164 are known to be pathogenic (PMID: 22863007, 28125082, 32367404, 34132027, 34499853). This variant is not present in population databases (gnomAD no frequency). This variant has not been reported in the literature in individuals affected with CEP164-related conditions. For these reasons, this variant has been classified as Pathogenic.

Literature cited by the submitters: PubMed 22863007; PubMed 28125082; PubMed 32367404; PubMed 34132027; PubMed 34499853.

NM_014956.5(CEP164):c.349_352del (p.Glu117fs)

Gene: CEP164 (centrosomal protein 164; plus strand). Cytogenetic location: 11q23.3.
Variant type: Deletion.
Coding change: c.349_352del on transcript NM_014956.5 (MANE Select); coding-DNA positions 349 to 352, 4 bases deleted (GAAA; older notation c.349_352delGAAA).
Protein change: p.Glu117fs; shifts the reading frame from glutamic acid 117.
Molecular consequence: frameshift variant.
Genome position (GRCh38, 1-based): chr11:117,351,944-117,351,947, GAAA deleted. VCF-style (leftmost placement, unchanged base first): chr11-117351943-GGAAA-G. GRCh37 (hg19) VCF-style: chr11-117222659-GGAAA-G.
Other names: c.349_352del, p.Glu117fs (NM_001271933.2); short protein forms E117fs.
Identifiers: ClinVar variation 2762841 (VCV002762841.3), dbSNP rs2540657675, ClinGen allele CA2697558982.